The following is an entry in ClinVar:

ClinVar aggregate classification (germline): Uncertain significance (1 of 4 stars; one submission).

gnomAD v4.1: 4 of 1,613,506 alleles (0.00025%); highest among the groups gnomAD compares: Non-Finnish European, 0.00025%; no homozygotes.

Submission:

Labcorp Genetics (formerly Invitae), Labcorp
Classification: Uncertain significance. Last evaluated: 2025-03-04. Review status: criteria provided, single submitter. Criteria: Invitae Variant Classification Sherloc (09022015). Collection method: clinical testing. Allele origin: germline.
Comment: This sequence change replaces glycine, which is neutral and non-polar, with alanine, which is neutral and non-polar, at codon 757 of the MYH7B protein (p.Gly757Ala). This variant is not present in population databases (gnomAD no frequency). This variant has not been reported in the literature in individuals affected with MYH7B-related conditions. Invitae Evidence Modeling of protein sequence and biophysical properties (such as structural, functional, and spatial information, amino acid conservation, physicochemical variation, residue mobility, and thermodynamic stability) indicates that this missense variant is expected to disrupt MYH7B protein function with a positive predictive value of 80%. In summary, the available evidence is currently insufficient to determine the role of this variant in disease. Therefore, it has been classified as a Variant of Uncertain Significance.

NM_020884.7(MYH7B):c.2144G>C (p.Gly715Ala)

Gene: MYH7B (myosin heavy chain 7B; plus strand). Cytogenetic location: 20q11.22.
Variant type: single nucleotide variant.
Coding change: c.2144G>C on transcript NM_020884.7 (MANE Select); coding-DNA position 2144, G replaced by C.
Protein change: p.Gly715Ala; replaces glycine 715 with alanine.
Molecular consequence: missense variant.
Genome position (GRCh38, 1-based): chr20:34,991,082, G>C. VCF-style: chr20-34991082-G-C. GRCh37 (hg19) VCF-style: chr20-33578885-G-C.
Other names: short protein forms G715A.
Identifiers: ClinVar variation 4797473 (VCV004797473.1).